The following is an entry in ClinVar:

NM_002529.4(NTRK1):c.1961G>A (p.Arg654His)

Gene: NTRK1 (neurotrophic receptor tyrosine kinase 1; plus strand). Cytogenetic location: 1q23.1.
Variant type: single nucleotide variant.
Coding change: c.1961G>A on transcript NM_002529.4 (MANE Select); coding-DNA position 1961, G replaced by A.
Protein change: p.Arg654His; replaces arginine 654 with histidine.
Molecular consequence: missense variant.
Genome position (GRCh38, 1-based): chr1:156,879,277, G>A. VCF-style: chr1-156879277-G-A. GRCh37 (hg19) VCF-style: chr1-156849069-G-A.
Other names: c.1853G>A, p.Arg618His (NM_001007792.1); c.1943G>A, p.Arg648His (NM_001012331.2); short protein forms R654H, R648H, R618H.
Identifiers: ClinVar variation 1517468 (VCV001517468.8), dbSNP rs750168062, ClinGen allele CA1169522.

ClinVar aggregate classification (germline): Likely pathogenic (1 of 4 stars; one submission).

Conditions:
Hereditary insensitivity to pain with anhidrosis (CIPA). Also called: hereditary sensory and autonomic neuropathy type 4; FAMILIAL DYSAUTONOMIA, TYPE II; HSAN Type IV; NTRK1 Congenital Insensitivity to Pain with Anhidrosis; NEUROPATHY, CONGENITAL SENSORY, WITH ANHIDROSIS; INSENSITIVITY TO PAIN, CONGENITAL, WITH ANHIDROSIS. Identifiers: Orphanet 642, MedGen C0020074, MONDO:0009746, OMIM 256800.

Allele frequency attached by ClinVar (database versions not stated): gnomAD 0.00001; TOPMed 0.00001.
gnomAD v4.1: 22 of 1,613,664 alleles (0.0014%); highest among the groups gnomAD compares: East Asian, 0.0022%; no homozygotes.

Submission:

Labcorp Genetics (formerly Invitae), Labcorp
Classification: Likely pathogenic for Hereditary insensitivity to pain with anhidrosis. Last evaluated: 2023-12-26. Review status: criteria provided, single submitter. Criteria: Invitae Variant Classification Sherloc (09022015). Collection method: clinical testing. Allele origin: germline.
Comment: This sequence change replaces arginine, which is basic and polar, with histidine, which is basic and polar, at codon 648 of the NTRK1 protein (p.Arg648His). This variant is present in population databases (rs750168062, gnomAD 0.006%). This variant has not been reported in the literature in individuals affected with NTRK1-related conditions. ClinVar contains an entry for this variant (Variation ID: 1517468). Advanced modeling of protein sequence and biophysical properties (such as structural, functional, and spatial information, amino acid conservation, physicochemical variation, residue mobility, and thermodynamic stability) has been performed at Invitae for this missense variant, however the output from this modeling did not meet the statistical confidence thresholds required to predict the impact of this variant on NTRK1 protein function. This variant disrupts the p.Arg648 amino acid residue in NTRK1. Other variant(s) that disrupt this residue have been determined to be pathogenic (PMID: 10982191, 22302274, 24631696, 31130284). This suggests that this residue is clinically significant, and that variants that disrupt this residue are likely to be disease-causing. In summary, the currently available evidence indicates that the variant is pathogenic, but additional data are needed to prove that conclusively. Therefore, this variant has been classified as Likely Pathogenic.

Literature cited by the submitters: PubMed 10982191; PubMed 22302274; PubMed 24631696; PubMed 31130284.